The following is an entry in ClinVar:

NM_001364857.2(ADGRB2):c.3176C>T (p.Thr1059Met)

Gene: ADGRB2 (adhesion G protein-coupled receptor B2; minus strand). Cytogenetic location: 1p35.2.
Variant type: single nucleotide variant.
Coding change: c.3176C>T on transcript NM_001364857.2 (MANE Select); coding-DNA position 3176, C replaced by T.
Protein change: p.Thr1059Met; replaces threonine 1059 with methionine.
Molecular consequence: missense variant.
Genome position (GRCh38, 1-based): chr1:31,736,345, G>A on the plus strand (C>T on the coding strand, the complement: ADGRB2 is on the minus strand). VCF-style: chr1-31736345-G-A. GRCh37 (hg19) VCF-style: chr1-32201946-G-A.
Other names: c.3176C>T, p.Thr1059Met (NM_001294335.2, NM_001294336.2, NM_001703.2); short protein forms T1059M.
Identifiers: ClinVar variation 2461660 (VCV002461660.5), dbSNP rs759449062, ClinGen allele CA735428.

ClinVar aggregate classification (germline): Uncertain significance. Review status: criteria provided, multiple submitters, no conflicts (2 of 4 stars). 2 submissions from 2 submitters: Uncertain significance (2). Last evaluated 2023-12-05.

Allele frequency attached by ClinVar (database versions not stated): gnomAD 0.00001; TOPMed 0.00001; ExAC 0.00002; gnomAD exomes 0.00004.
gnomAD v4.1: 63 of 1,613,970 alleles (0.0039%); highest among the groups gnomAD compares: Non-Finnish European, 0.0046%; no homozygotes.

Submissions (2):

Labcorp Genetics (formerly Invitae), Labcorp
Classification: Uncertain significance. Last evaluated: 2023-12-05. Review status: criteria provided, single submitter. Criteria: Invitae Variant Classification Sherloc (09022015). Collection method: clinical testing. Allele origin: germline.
Comment: This sequence change replaces threonine, which is neutral and polar, with methionine, which is neutral and non-polar, at codon 1059 of the ADGRB2 protein (p.Thr1059Met). This variant is present in population databases (rs759449062, gnomAD 0.004%). This variant has not been reported in the literature in individuals affected with ADGRB2-related conditions. ClinVar contains an entry for this variant (Variation ID: 2461660). An algorithm developed to predict the effect of missense changes on protein structure and function (PolyPhen-2) suggests that this variant is likely to be disruptive. In summary, the available evidence is currently insufficient to determine the role of this variant in disease. Therefore, it has been classified as a Variant of Uncertain Significance.

Ambry Genetics
Classification: Uncertain significance. Last evaluated: 2023-02-13. Review status: criteria provided, single submitter. Criteria: Ambry Variant Classification Scheme 2023. Collection method: clinical testing. Allele origin: germline.